The following is an entry in ClinVar:

NM_020779.4(WDR35):c.1994C>T (p.Ala665Val)

Gene: WDR35 (WD repeat domain 35; minus strand). Cytogenetic location: 2p24.1.
Variant type: single nucleotide variant.
Coding change: c.1994C>T on transcript NM_020779.4 (MANE Select); coding-DNA position 1994, C replaced by T.
Protein change: p.Ala665Val; replaces alanine 665 with valine.
Molecular consequence: missense variant.
Genome position (GRCh38, 1-based): chr2:19,938,334, G>A on the plus strand (C>T on the coding strand, the complement: WDR35 is on the minus strand). VCF-style: chr2-19938334-G-A. GRCh37 (hg19) VCF-style: chr2-20138095-G-A.
Other names: c.2027C>T, p.Ala676Val (NM_001006657.2); short protein forms A665V, A676V.
Identifiers: ClinVar variation 2171787 (VCV002171787.2), dbSNP rs1386456573, ClinGen allele CA345944068.

ClinVar aggregate classification (germline): Uncertain significance. Review status: criteria provided, multiple submitters, no conflicts (2 of 4 stars). 2 submissions from 2 submitters: Uncertain significance (2). Last evaluated 2024-01-02.

Conditions:
Short-rib thoracic dysplasia 7 with or without polydactyly (SRTD7). Also called: Short rib polydactyly syndrome 5; SHORT-RIB THORACIC DYSPLASIA 7 WITH POLYDACTYLY. Identifiers: Orphanet 498497, Orphanet 93271, MedGen C3279792, MONDO:0013569, OMIM 614091.
Cranioectodermal dysplasia 2 (CED2). Identifiers: Orphanet 1515, MedGen C3150874, MONDO:0013323, OMIM 613610.

Allele frequency attached by ClinVar (database versions not stated): gnomAD exomes 0.00001.
gnomAD v4.1: 13 of 1,613,966 alleles (0.00081%); highest among the groups gnomAD compares: Non-Finnish European, 0.0011%; no homozygotes.

Submissions (2):

Fulgent Genetics
Classification: Uncertain significance for Cranioectodermal dysplasia 2; Short-rib thoracic dysplasia 7 with or without polydactyly. Last evaluated: 2024-01-02. Review status: criteria provided, single submitter. Criteria: ACMG Guidelines, 2015. Collection method: clinical testing. Allele origin: germline.

Labcorp Genetics (formerly Invitae), Labcorp
Classification: Uncertain significance for Cranioectodermal dysplasia 2; Short-rib thoracic dysplasia 7 with or without polydactyly. Last evaluated: 2022-07-08. Review status: criteria provided, single submitter. Criteria: Invitae Variant Classification Sherloc (09022015). Collection method: clinical testing. Allele origin: germline.
Comment: This sequence change replaces alanine, which is neutral and non-polar, with valine, which is neutral and non-polar, at codon 676 of the WDR35 protein (p.Ala676Val). This variant is present in population databases (no rsID available, gnomAD 0.0009%). This variant has not been reported in the literature in individuals affected with WDR35-related conditions. Algorithms developed to predict the effect of missense changes on protein structure and function are either unavailable or do not agree on the potential impact of this missense change (SIFT: "Tolerated"; PolyPhen-2: "Probably Damaging"; Align-GVGD: "Class C0"). In summary, the available evidence is currently insufficient to determine the role of this variant in disease. Therefore, it has been classified as a Variant of Uncertain Significance.